The following is an entry in ClinVar:

ClinVar aggregate classification (germline): Uncertain significance. Review status: no assertion criteria provided (0 of 4 stars). 2 submissions from 2 submitters: Uncertain significance (1). 1 of the submissions does not count toward it. Last evaluated 2012-07-01.

Conditions:
Variant of unknown significance. Identifiers: MedGen C2986382.

gnomAD v4.1: 3 of 1,613,200 alleles (0.00019%); highest among the groups gnomAD compares: Non-Finnish European, 0.00025%; no homozygotes.

Submissions (2):

OMIM
Classification: Uncertain significance for VARIANT OF UNKNOWN SIGNIFICANCE. Last evaluated: 2012-07-01. Review status: no assertion criteria provided. Collection method: literature only. Allele origin: germline.

UniProtKB/Swiss-Prot
No classification provided. Review status: no classification provided. Collection method: not provided. Allele origin: not provided. Not counted in ClinVar's aggregate classification.
Comment: found in patients with atypical hemolytic uremic syndrome

Literature cited by the submitters: PubMed 22622361 (cited by OMIM).

NM_030787.4(CFHR5):c.1308G>T (p.Trp436Cys)

Gene: CFHR5 (complement factor H related 5; plus strand). Cytogenetic location: 1q31.3.
Variant type: single nucleotide variant.
Coding change: c.1308G>T on transcript NM_030787.4 (MANE Select); coding-DNA position 1308, G replaced by T.
Protein change: p.Trp436Cys; replaces tryptophan 436 with cysteine.
Molecular consequence: missense variant.
Genome position (GRCh38, 1-based): chr1:197,002,642, G>T. VCF-style: chr1-197002642-G-T. GRCh37 (hg19) VCF-style: chr1-196971772-G-T.
Other names: short protein forms W436C.
Identifiers: ClinVar variation 68845 (VCV000068845.1), dbSNP rs201265664, ClinGen allele CA130116.